The following is an entry in ClinVar:

ClinVar aggregate classification (germline): Uncertain significance (1 of 4 stars; one submission).

Conditions:
Benign neonatal seizures. Also called: Convulsions benign familial neonatal dominant form; Autosomal dominant form of benign neonatal seizures; Benign familial neonatal epilepsy; Benign familial neonatal seizures; Benign neonatal familial convulsions. Identifiers: Orphanet 1949, MedGen C0220669, MONDO:0016027.

Submission:

Labcorp Genetics (formerly Invitae), Labcorp
Classification: Uncertain significance for Benign neonatal seizures. Last evaluated: 2023-02-27. Review status: criteria provided, single submitter. Criteria: Invitae Variant Classification Sherloc (09022015). Collection method: clinical testing. Allele origin: germline.
Comment: In summary, the available evidence is currently insufficient to determine the role of this variant in disease. Therefore, it has been classified as a Variant of Uncertain Significance. Experimental studies and prediction algorithms are not available or were not evaluated, and the functional significance of this variant is currently unknown. ClinVar contains an entry for this variant (Variation ID: 1043542). This variant has not been reported in the literature in individuals affected with KCNQ3-related conditions. This variant is not present in population databases (gnomAD no frequency). This variant, c.1583_1585dup, results in the insertion of 1 amino acid(s) of the KCNQ3 protein (p.Arg528dup), but otherwise preserves the integrity of the reading frame.

NM_004519.4(KCNQ3):c.1583_1585dup (p.Arg528dup)

Gene: KCNQ3 (potassium voltage-gated channel subfamily Q member 3; minus strand). Cytogenetic location: 8q24.22.
Variant type: Duplication.
Coding change: c.1583_1585dup on transcript NM_004519.4 (MANE Select); coding-DNA positions 1583 to 1585, 3 bases duplicated (GTC; older notation c.1583_1585dupGTC).
Protein change: p.Arg528dup; duplicates arginine 528.
Molecular consequence: inframe insertion.
Genome position (GRCh38, 1-based): chr8:132,138,000-132,138,002, GAC duplicated on the plus strand (GTC on the coding strand, the reverse complement: KCNQ3 is on the minus strand); duplicating any 3 consecutive bases within chr8:132,138,000-132,138,003 gives the same sequence; the c. name uses the placement nearest the transcript's 3' end. VCF-style (leftmost placement, unchanged base first): chr8-132137999-A-AGAC. GRCh37 (hg19) VCF-style: chr8-133150246-A-AGAC.
Other names: c.1223_1225dup, p.Arg408dup (NM_001204824.2).
Identifiers: ClinVar variation 1043542 (VCV001043542.8), dbSNP rs1825161652, ClinGen allele CA1820655700.